The following is an entry in ClinVar:

NM_004333.6(BRAF):c.1162T>C (p.Phe388Leu)

Gene: BRAF (B-Raf proto-oncogene, serine/threonine kinase; minus strand). Cytogenetic location: 7q34.
Variant type: single nucleotide variant.
Coding change: c.1162T>C on transcript NM_004333.6 (MANE Select); coding-DNA position 1162, T replaced by C.
Protein change: p.Phe388Leu; replaces phenylalanine 388 with leucine.
Molecular consequence: missense variant. On other transcripts: intron variant (1).
Genome position (GRCh38, 1-based): chr7:140,787,563, A>G on the plus strand (T>C on the coding strand, the complement: BRAF is on the minus strand). VCF-style: chr7-140787563-A-G. GRCh37 (hg19) VCF-style: chr7-140487363-A-G.
Other names: c.1162T>C, p.Phe388Leu (NM_001354609.2, NM_001374244.1, NM_001374258.1 and 3 more transcripts); c.1171T>C, p.Phe391Leu (NM_001378467.1); c.1060T>C, p.Phe354Leu (NM_001378470.1); c.1006T>C, p.Phe336Leu (NM_001378472.1, NM_001378473.1); c.898T>C, p.Phe300Leu (NM_001378475.1); c.1141-4480T>C (NM_001378471.1); short protein forms F354L, F336L, F391L, F300L, F388L.
Identifiers: ClinVar variation 1737321 (VCV001737321.2), dbSNP rs2536219338, ClinGen allele CA369589611.

ClinVar aggregate classification (germline): Uncertain significance (1 of 4 stars; one submission).

Conditions:
Cardiovascular phenotype. Identifiers: MedGen CN230736.

Submission:

Ambry Genetics
Classification: Uncertain significance for Cardiovascular phenotype. Last evaluated: 2021-08-31. Review status: criteria provided, single submitter. Criteria: Ambry Variant Classification Scheme 2023. Collection method: clinical testing. Allele origin: germline.
Comment: The p.F388L variant (also known as c.1162T>C), located in coding exon 9 of the BRAF gene, results from a T to C substitution at nucleotide position 1162. The phenylalanine at codon 388 is replaced by leucine, an amino acid with highly similar properties. This amino acid position is conserved. In addition, this alteration is predicted to be tolerated by in silico analysis. Since supporting evidence is limited at this time, the clinical significance of this alteration remains unclear.